The following is an entry in ClinVar:

ClinVar aggregate classification (germline): Uncertain significance (1 of 4 stars; one submission).

gnomAD v4.1: 1 of 1,613,860 alleles (0.000062%); no homozygotes.

Submission:

GeneDx
Classification: Uncertain significance. Last evaluated: 2024-10-04. Review status: criteria provided, single submitter. Criteria: GeneDx Variant Classification Process June 2021. Collection method: clinical testing. Allele origin: germline. Affected: yes.
Comment: Not observed at significant frequency in large population cohorts (gnomAD); In silico analysis supports that this missense variant has a deleterious effect on protein structure/function; Has not been previously published as pathogenic or benign to our knowledge; This substitution is predicted to be within the C-terminal cytoplasmic domain

NM_001165963.4(SCN1A):c.5370T>G (p.Ser1790Arg)

Genes: SCN1A (sodium voltage-gated channel alpha subunit 1; minus strand), LOC102724058 (uncharacterized LOC102724058; plus strand). Cytogenetic location: 2q24.3.
Variant type: single nucleotide variant.
Coding change: c.5370T>G on transcript NM_001165963.4 (MANE Select); coding-DNA position 5370, T replaced by G.
Protein change: p.Ser1790Arg; replaces serine 1790 with arginine.
Molecular consequence: missense variant. On other transcripts: non-coding transcript variant (1).
Genome position (GRCh38, 1-based): chr2:165,991,905, A>C on the plus strand (T>G on the coding strand, the complement: SCN1A is on the minus strand). VCF-style: chr2-165991905-A-C. GRCh37 (hg19) VCF-style: chr2-166848415-A-C.
Other names: c.5286T>G, p.Ser1762Arg (NM_001165964.3, NM_001353957.2, NM_001353958.2); c.5370T>G, p.Ser1790Arg (NM_001202435.3, NM_001353948.2); c.5337T>G, p.Ser1779Arg (NM_001353949.2, NM_001353950.2, NM_001353951.2 and 2 more transcripts); c.5334T>G, p.Ser1778Arg (NM_001353954.2, NM_001353955.2); c.5283T>G, p.Ser1761Arg (NM_001353960.2); c.2928T>G, p.Ser976Arg (NM_001353961.2); short protein forms S1761R, S1762R, S1778R, S1779R, S1790R, S976R.
Identifiers: ClinVar variation 3776663 (VCV003776663.1).